The following is an entry in ClinVar:

NM_000081.4(LYST):c.4433G>A (p.Trp1478Ter)

Gene: LYST (lysosomal trafficking regulator; minus strand). Cytogenetic location: 1q42.3.
Variant type: single nucleotide variant.
Coding change: c.4433G>A on transcript NM_000081.4 (MANE Select); coding-DNA position 4433, G replaced by A.
Protein change: p.Trp1478Ter; replaces tryptophan 1478 with a stop codon.
Molecular consequence: nonsense.
Genome position (GRCh38, 1-based): chr1:235,791,809, C>T on the plus strand (G>A on the coding strand, the complement: LYST is on the minus strand). VCF-style: chr1-235791809-C-T. GRCh37 (hg19) VCF-style: chr1-235955109-C-T.
Other names: c.4433G>A, p.Trp1478Ter (NM_001301365.1); short protein forms W1478*.
Identifiers: ClinVar variation 3030506 (VCV003030506.6), dbSNP rs2526908416, ClinGen allele CA344959477.

ClinVar aggregate classification (germline): Pathogenic/Likely pathogenic. Review status: criteria provided, multiple submitters, no conflicts (2 of 4 stars). 3 submissions from 3 submitters: Pathogenic (1); Likely pathogenic (1). 1 of the submissions does not count toward it. Last evaluated 2024-08-12.

Conditions:
Chédiak-Higashi syndrome (CHS). Also called: Chediak-Higashi Syndrome. Identifiers: Orphanet 167, MedGen C0007965, MONDO:0008963, OMIM 214500.
LYST-related disorder. Also called: LYST-related condition.

Allele frequency attached by ClinVar (database versions not stated): gnomAD exomes below 0.00001.
gnomAD v4.1: 1 of 1,614,012 alleles (0.000062%); highest among the groups gnomAD compares: Admixed American, 0.0017%; no homozygotes.

Submissions (3):

Labcorp Genetics (formerly Invitae), Labcorp
Classification: Pathogenic for Chédiak-Higashi syndrome. Last evaluated: 2024-08-12. Review status: criteria provided, single submitter. Criteria: Invitae Variant Classification Sherloc (09022015). Collection method: clinical testing. Allele origin: germline.
Comment: This sequence change creates a premature translational stop signal (p.Trp1478*) in the LYST gene. It is expected to result in an absent or disrupted protein product. Loss-of-function variants in LYST are known to be pathogenic (PMID: 9215679, 11857544). This variant is not present in population databases (gnomAD no frequency). This variant has not been reported in the literature in individuals affected with LYST-related conditions. For these reasons, this variant has been classified as Pathogenic.

Fulgent Genetics
Classification: Likely pathogenic for Chédiak-Higashi syndrome. Last evaluated: 2024-05-01. Review status: criteria provided, single submitter. Criteria: ACMG Guidelines, 2015. Collection method: clinical testing. Allele origin: germline.

PreventionGenetics, part of Exact Sciences
Classification: Likely pathogenic for LYST-related condition. Last evaluated: 2023-11-22. Review status: no assertion criteria provided. Collection method: clinical testing. Allele origin: germline. Not counted in ClinVar's aggregate classification.
Comment: The LYST c.4433G>A variant is predicted to result in premature protein termination (p.Trp1478*). To our knowledge, this variant has not been reported in the literature or in a large population database, indicating this variant is rare. Nonsense variants in LYST are expected to be pathogenic. This variant is interpreted as likely pathogenic.

Literature cited by the submitters: PubMed 9215679 (cited by Labcorp Genetics (formerly Invitae), Labcorp); PubMed 11857544 (cited by Labcorp Genetics (formerly Invitae), Labcorp).